The following is an entry in ClinVar:

NM_000054.7(AVPR2):c.966C>T (p.Pro322=)

Gene: AVPR2 (arginine vasopressin receptor 2; plus strand). Cytogenetic location: Xq28.
Variant type: single nucleotide variant.
Coding change: c.966C>T on transcript NM_000054.7 (MANE Select); coding-DNA position 966, C replaced by T.
Protein change: p.Pro322=; no amino-acid change (proline 322 retained).
Molecular consequence: synonymous variant. On other transcripts: 3 prime UTR variant (1), non-coding transcript variant (1).
Genome position (GRCh38, 1-based): chrX:153,906,578, C>T. VCF-style: chrX-153906578-C-T. GRCh37 (hg19) VCF-style: chrX-153172032-C-T.
Other names: c.*142C>T (NM_001146151.3).
Identifiers: ClinVar variation 2661744 (VCV002661744.24), dbSNP rs1557101062, ClinGen allele CA415110998.
Genomic context (GRCh38, chrX:153,906,578, plus strand): 5'-CACAGGGGCGCCCTTTGTGCTACTCATGTTGCTGGCCAGCCTCAACAGCTGCACCAACCC[C>T]TGGATCTATGCATCTTTCAGCAGCAGCGTGTCCTCAGAGCTGCGAAGCTTGCTCTGCTGT-3'
Protein context (NP_000045.1, residues 312-332): LLASLNSCTN[Pro322=]WIYASFSSSV

ClinVar aggregate classification (germline): Likely benign (1 of 4 stars; one submission).

Submission:

CeGaT Center for Human Genetics Tuebingen
Classification: Likely benign. Last evaluated: 2022-07-01. Review status: criteria provided, single submitter. Criteria: CeGaT Center For Human Genetics Tuebingen Variant Classification Criteria Version 2. Collection method: clinical testing. Allele origin: germline. Affected: yes. Observed: 1 variant allele.
Comment: AVPR2: PM2:Supporting, BP4, BP7